The following is an entry in ClinVar:

ClinVar aggregate classification (germline): Uncertain significance (1 of 4 stars; one submission).

Submission:

Labcorp Genetics (formerly Invitae), Labcorp
Classification: Uncertain significance. Last evaluated: 2025-11-22. Review status: criteria provided, single submitter. Criteria: Invitae Variant Classification Sherloc (09022015). Collection method: clinical testing. Allele origin: germline.
Comment: This sequence change replaces tryptophan, which is neutral and slightly polar, with cysteine, which is neutral and slightly polar, at codon 828 of the MYH9 protein (p.Trp828Cys). This variant is not present in population databases (gnomAD no frequency). This variant has not been reported in the literature in individuals affected with MYH9-related conditions. Invitae Evidence Modeling of protein sequence and biophysical properties (such as structural, functional, and spatial information, amino acid conservation, physicochemical variation, residue mobility, and thermodynamic stability) indicates that this missense variant is expected to disrupt MYH9 protein function with a positive predictive value of 95%. In summary, the available evidence is currently insufficient to determine the role of this variant in disease. Therefore, it has been classified as a Variant of Uncertain Significance.

NM_002473.6(MYH9):c.2484G>T (p.Trp828Cys)

Gene: MYH9 (myosin heavy chain 9; minus strand). Cytogenetic location: 22q12.3.
Variant type: single nucleotide variant.
Coding change: c.2484G>T on transcript NM_002473.6 (MANE Select); coding-DNA position 2484, G replaced by T.
Protein change: p.Trp828Cys; replaces tryptophan 828 with cysteine.
Molecular consequence: missense variant.
Genome position (GRCh38, 1-based): chr22:36,302,583, C>A on the plus strand (G>T on the coding strand, the complement: MYH9 is on the minus strand). VCF-style: chr22-36302583-C-A. GRCh37 (hg19) VCF-style: chr22-36698629-C-A.
Other names: short protein forms W828C.
Identifiers: ClinVar variation 4746172 (VCV004746172.1).
Genomic context (GRCh38, chr22:36,302,583, plus strand): 5'-TGCACCCGTAGTCCCAGCTACTCAGGAGGCCCTTCTAGCACGCACCTTGGTGAAGAGCCG[C>A]CACCACTGCCAGTTCCGCAGCTTCAGGTAGGCAGCGCAGTTCCGCTGGAGGACCTTCATG-3'
Protein context (NP_002464.1, residues 818-838): AYLKLRNWQW[Trp828Cys]RLFTKVKPLL